The following is an entry in ClinVar:

ClinVar aggregate classification (germline): Uncertain significance. Review status: criteria provided, multiple submitters, no conflicts (2 of 4 stars). 2 submissions from 2 submitters: Uncertain significance (2). Last evaluated 2025-02-06.

Conditions:
Idiopathic generalized epilepsy. Also called: Generalised epilepsy; EIG. Identifiers: MedGen C0270850, MONDO:0005579, OMIM 600669.
Hyperaldosteronism, familial, type IV (HALD4). Also called: FH IV; ALDOSTERONISM, PRIMARY, AND HYPERTENSION. Identifiers: Orphanet 642671, MedGen C4310756, MONDO:0014875, OMIM 617027.

Allele frequency attached by ClinVar (database versions not stated): ExAC 0.00001; gnomAD exomes 0.00001; TOPMed 0.00001; gnomAD 0.00003.
gnomAD v4.1: 22 of 1,603,968 alleles (0.0014%); highest among the groups gnomAD compares: Non-Finnish European, 0.0019%; no homozygotes.

Submissions (2):

Athena Diagnostics
Classification: Uncertain significance. Last evaluated: 2025-02-06. Review status: criteria provided, single submitter. Criteria: Athena Diagnostics Criteria. Collection method: clinical testing. Allele origin: unknown.
Comment: Available data are insufficient to determine the clinical significance of the variant at this time. The frequency of this variant in the general population is uninformative in assessment of its pathogenicity. Polyphen and MutationTaster predict this amino acid change may be benign.

Labcorp Genetics (formerly Invitae), Labcorp
Classification: Uncertain significance for Idiopathic generalized epilepsy; Hyperaldosteronism, familial, type IV. Last evaluated: 2022-02-05. Review status: criteria provided, single submitter. Criteria: Invitae Variant Classification Sherloc (09022015). Collection method: clinical testing. Allele origin: germline.
Comment: This variant is present in population databases (rs777795718, gnomAD 0.002%). In summary, the available evidence is currently insufficient to determine the role of this variant in disease. Therefore, it has been classified as a Variant of Uncertain Significance. Advanced modeling of protein sequence and biophysical properties (such as structural, functional, and spatial information, amino acid conservation, physicochemical variation, residue mobility, and thermodynamic stability) performed at Invitae indicates that this missense variant is not expected to disrupt CACNA1H protein function. ClinVar contains an entry for this variant (Variation ID: 644531). This variant has not been reported in the literature in individuals affected with CACNA1H-related conditions. This sequence change replaces valine, which is neutral and non-polar, with leucine, which is neutral and non-polar, at codon 1345 of the CACNA1H protein (p.Val1345Leu).

Literature cited by the submitters: PubMed 31440721 (cited by Athena Diagnostics).

NM_021098.3(CACNA1H):c.4033G>C (p.Val1345Leu)

Gene: CACNA1H (calcium voltage-gated channel subunit alpha1 H; plus strand). Cytogenetic location: 16p13.3.
Variant type: single nucleotide variant.
Coding change: c.4033G>C on transcript NM_021098.3 (MANE Select); coding-DNA position 4033, G replaced by C.
Protein change: p.Val1345Leu; replaces valine 1345 with leucine.
Molecular consequence: missense variant.
Genome position (GRCh38, 1-based): chr16:1,210,646, G>C. VCF-style: chr16-1210646-G-C. GRCh37 (hg19) VCF-style: chr16-1260646-G-C.
Other names: c.4033G>C, p.Val1345Leu (NM_001005407.2); short protein forms V1345L.
Identifiers: ClinVar variation 644531 (VCV000644531.11), dbSNP rs777795718, ClinGen allele CA7801085.
Genomic context (GRCh38, chr16:1,210,646, plus strand): 5'-CGGGTCTTCCTCAGCGTCTCCAATTACATCTTCACGGCCATCTTCGTGGCGGAGATGATG[G>C]TGAAGGTACCGCGGGGCCCGGGGACTGCCCTTGTTCCCAGGTCCCCGTTCTGCCCTCATC-3'
Protein context (NP_066921.2, residues 1335-1355): FTAIFVAEMM[Val1345Leu]KVVALGLLSG